The following is an entry in ClinVar:

ClinVar aggregate classification (germline): Uncertain significance. Review status: criteria provided, multiple submitters, no conflicts (2 of 4 stars). 5 submissions from 5 submitters: Uncertain significance (5). Last evaluated 2024-11-08.

Conditions:
Familial adenomatous polyposis 1 (FAP1). Also called: FAMILIAL ADENOMATOUS POLYPOSIS 1, ATTENUATED; POLYPOSIS, ADENOMATOUS INTESTINAL. Identifiers: MedGen C2713442, MONDO:0021056, OMIM 175100. Disease mechanism: loss of function.
Hereditary cancer-predisposing syndrome. Also called: Hereditary neoplastic syndrome; Neoplastic Syndromes, Hereditary; Hereditary Cancer Syndrome; Tumor predisposition. Identifiers: Orphanet 140162, MedGen C0027672, MeSH D009386, MONDO:0015356.

gnomAD v4.1: 2 of 1,614,068 alleles (0.00012%); highest among the groups gnomAD compares: Non-Finnish European, 0.00017%; no homozygotes.

Submissions (5):

Ambry Genetics
Classification: Uncertain significance for Hereditary cancer-predisposing syndrome. Last evaluated: 2024-11-08. Review status: criteria provided, single submitter. Criteria: Ambry Variant Classification Scheme 2023. Collection method: clinical testing. Allele origin: germline.
Comment: The p.P2276S variant (also known as c.6826C>T), located in coding exon 15 of the APC gene, results from a C to T substitution at nucleotide position 6826. The proline at codon 2276 is replaced by serine, an amino acid with similar properties. This amino acid position is well conserved in available vertebrate species. In addition, in silico predictors for this gene do not accurately predict pathogenicity. Missense alterations in APC are not a common cause of disease (Spier I et al. Genet Med. 2024 Feb;26(2):100992). Based on the available evidence, the clinical significance of this variant remains unclear.

CeGaT Center for Human Genetics Tuebingen
Classification: Uncertain significance. Last evaluated: 2024-05-01. Review status: criteria provided, single submitter. Criteria: CeGaT Center For Human Genetics Tuebingen Variant Classification Criteria Version 2. Collection method: clinical testing. Allele origin: germline. Affected: yes. Observed: 1 variant allele.
Comment: APC: PM2, BP1, BP4

Color Diagnostics, LLC DBA Color Health
Classification: Uncertain significance for Hereditary cancer-predisposing syndrome. Last evaluated: 2023-12-05. Review status: criteria provided, single submitter. Criteria: ACMG Guidelines, 2015. Collection method: clinical testing. Allele origin: germline.
Comment: This missense variant replaces proline with serine at codon 2276 of the APC protein. Computational prediction suggests that this variant may not impact protein structure and function (internally defined REVEL score threshold <= 0.5, PMID: 27666373). To our knowledge, functional studies have not been reported for this variant. This variant has not been reported in individuals affected with APC-related disorders in the literature. This variant has not been identified in the general population by the Genome Aggregation Database (gnomAD). The available evidence is insufficient to determine the role of this variant in disease conclusively. Therefore, this variant is classified as a Variant of Uncertain Significance.

Sema4
Classification: Uncertain significance for Hereditary cancer-predisposing syndrome. Last evaluated: 2022-03-12. Review status: criteria provided, single submitter. Criteria: Sema4 Curation Guidelines. Collection method: curation. Allele origin: germline.
Comment: The APC c.6826C>T (p.P2276S) variant has not been reported in the literature to our knowledge. This variant is not reported in the population database Genome Aggregation Database (PMID: 32461654). The variant has been reported in ClinVar (Variation ID: 489486). Functional studies have not been performed, and in silico predictions of the variant's effect on protein function are inconclusive. The evidence is insufficient to meet ACMG/AMP criteria for classifying the variant as benign or pathogenic. Thus, the clinical significance of this variant is currently uncertain.

Labcorp Genetics (formerly Invitae), Labcorp
Classification: Uncertain significance for Familial adenomatous polyposis 1. Last evaluated: 2018-08-06. Review status: criteria provided, single submitter. Criteria: Invitae Variant Classification Sherloc (09022015). Collection method: clinical testing. Allele origin: germline.
Comment: This sequence change replaces proline with serine at codon 2276 of the APC protein (p.Pro2276Ser). The proline residue is moderately conserved and there is a moderate physicochemical difference between proline and serine. This variant is not present in population databases (ExAC no frequency). This variant has not been reported in the literature in individuals with APC-related disease. ClinVar contains an entry for this variant (Variation ID:Â¬â€ 489486). Algorithms developed to predict the effect of missense changes on protein structure and function (SIFT, PolyPhen-2, Align-GVGD) all suggest that this variant is likely to be tolerated, but these predictions have not been confirmed by published functional studies and their clinical significance is uncertain. In summary, the available evidence is currently insufficient to determine the role of this variant in disease. Therefore, it has been classified as a Variant of Uncertain Significance.

NM_000038.6(APC):c.6826C>T (p.Pro2276Ser)

Gene: APC (APC regulator of Wnt signaling pathway; plus strand). Cytogenetic location: 5q22.2.
Variant type: single nucleotide variant.
Coding change: c.6826C>T on transcript NM_000038.6 (MANE Select); coding-DNA position 6826, C replaced by T.
Protein change: p.Pro2276Ser; replaces proline 2276 with serine.
Molecular consequence: missense variant.
Genome position (GRCh38, 1-based): chr5:112,842,420, C>T. VCF-style: chr5-112842420-C-T. GRCh37 (hg19) VCF-style: chr5-112178117-C-T.
Other names: c.6826C>T, p.Pro2276Ser (NM_001127510.3, NM_001354895.2); c.6772C>T, p.Pro2258Ser (NM_001127511.3); c.6880C>T, p.Pro2294Ser (NM_001354896.2); c.6856C>T, p.Pro2286Ser (NM_001354897.2); c.6751C>T, p.Pro2251Ser (NM_001354898.2); c.6742C>T, p.Pro2248Ser (NM_001354899.2); c.6703C>T, p.Pro2235Ser (NM_001354900.2); c.6649C>T, p.Pro2217Ser (NM_001354901.2); and 5 more; short protein forms P2258S, P2276S, P1993S, P2150S, P2175S, P2235S, P2251S, P2185S.
Identifiers: ClinVar variation 489486 (VCV000489486.29), dbSNP rs1554087777, ClinGen allele CA16036234.